The following is an entry in ClinVar:

NM_002691.4(POLD1):c.2661G>A (p.Leu887=)

Gene: POLD1 (DNA polymerase delta 1, catalytic subunit; plus strand). Cytogenetic location: 19q13.33.
Variant type: single nucleotide variant.
Coding change: c.2661G>A on transcript NM_002691.4 (MANE Select); coding-DNA position 2661, G replaced by A.
Protein change: p.Leu887=; no amino-acid change (leucine 887 retained).
Molecular consequence: synonymous variant. On other transcripts: non-coding transcript variant (1).
Genome position (GRCh38, 1-based): chr19:50,415,534, G>A. VCF-style: chr19-50415534-G-A. GRCh37 (hg19) VCF-style: chr19-50918791-G-A.
Other names: c.2661G>A, p.Leu887= (NM_001256849.1); c.2739G>A, p.Leu913= (NM_001308632.1).
Identifiers: ClinVar variation 384095 (VCV000384095.15), dbSNP rs755634695, ClinGen allele CA9596602.
Genomic context (GRCh38, chr19:50,415,534, plus strand): 5'-CATCTCGGACCTGCTGTGCAACCGCATCGATATCTCCCAGCTGGTCATCACCAAGGAGCT[G>A]ACCCGCGCGGCCTCCGACTATGCCGGCAAGCAGGCCCACGTGGAGCTGGCCGAGAGGTCC-3'
Protein context (NP_002682.2, residues 877-897): DISQLVITKE[Leu887=]TRAASDYAGK

ClinVar aggregate classification (germline): Likely benign. Review status: criteria provided, multiple submitters, no conflicts (2 of 4 stars). 3 submissions from 3 submitters: Likely benign (3). Last evaluated 2025-03-13.

Conditions:
POLD1-related polyposis and colorectal cancer syndrome (CRCS10). Also called: Colorectal cancer, susceptibility to, 10; Colorectal cancer 10; COLORECTAL CANCER, SUSCEPTIBILITY TO, ON CHROMOSOME 19q. Identifiers: Orphanet 220460, MedGen C2675481, MONDO:0012953, OMIM 612591.
Hereditary cancer-predisposing syndrome. Also called: Neoplastic Syndromes, Hereditary; Hereditary neoplastic syndrome; Hereditary Cancer Syndrome; Tumor predisposition. Identifiers: Orphanet 140162, MedGen C0027672, MeSH D009386, MONDO:0015356.

Allele frequency attached by ClinVar (database versions not stated): gnomAD exomes 0.00001; ExAC 0.00002.
gnomAD v4.1: 13 of 1,613,186 alleles (0.00081%); highest among the groups gnomAD compares: African/African-American, 0.0013%; no homozygotes.

Submissions (3):

Labcorp Genetics (formerly Invitae), Labcorp
Classification: Likely benign for POLD1-related polyposis and colorectal cancer syndrome. Last evaluated: 2025-03-13. Review status: criteria provided, single submitter. Criteria: Invitae Variant Classification Sherloc (09022015). Collection method: clinical testing. Allele origin: germline.

GeneDx
Classification: Likely benign. Last evaluated: 2016-02-23. Review status: criteria provided, single submitter. Criteria: GeneDx Variant Classification (06012015). Collection method: clinical testing. Allele origin: germline. Affected: yes.
Comment: This variant is considered likely benign or benign based on one or more of the following criteria: it is a conservative change, it occurs at a poorly conserved position in the protein, it is predicted to be benign by multiple in silico algorithms, and/or has population frequency not consistent with disease.

Ambry Genetics
Classification: Likely benign for Hereditary cancer-predisposing syndrome. Last evaluated: 2015-12-16. Review status: criteria provided, single submitter. Criteria: Ambry Variant Classification Scheme 2023. Collection method: clinical testing. Allele origin: germline.